The following is an entry in ClinVar:

ClinVar aggregate classification (germline): Uncertain significance. Review status: criteria provided, multiple submitters, no conflicts (2 of 4 stars). 2 submissions from 2 submitters: Uncertain significance (2). Last evaluated 2024-03-15.

Conditions:
Hereditary cancer-predisposing syndrome. Also called: Neoplastic Syndromes, Hereditary; Tumor predisposition; Hereditary neoplastic syndrome; Hereditary Cancer Syndrome. Identifiers: Orphanet 140162, MedGen C0027672, MeSH D009386, MONDO:0015356.

Submissions (2):

Ambry Genetics
Classification: Uncertain significance for Hereditary cancer-predisposing syndrome. Last evaluated: 2024-03-15. Review status: criteria provided, single submitter. Criteria: Ambry Variant Classification Scheme 2023. Collection method: clinical testing. Allele origin: germline.
Comment: The p.T1114R variant (also known as c.3341C>G), located in coding exon 21 of the RAD50 gene, results from a C to G substitution at nucleotide position 3341. The threonine at codon 1114 is replaced by arginine, an amino acid with similar properties. This amino acid position is conserved. In addition, this alteration is predicted to be deleterious by in silico analysis. Based on the available evidence, the clinical significance of this alteration remains unclear.

Labcorp Genetics (formerly Invitae), Labcorp
Classification: Uncertain significance for Hereditary cancer-predisposing syndrome. Last evaluated: 2021-05-19. Review status: criteria provided, single submitter. Criteria: Invitae Variant Classification Sherloc (09022015). Collection method: clinical testing. Allele origin: germline.
Comment: This variant is not present in population databases (ExAC no frequency). In summary, the available evidence is currently insufficient to determine the role of this variant in disease. Therefore, it has been classified as a Variant of Uncertain Significance. Algorithms developed to predict the effect of missense changes on protein structure and function are either unavailable or do not agree on the potential impact of this missense change (SIFT: "Tolerated"; PolyPhen-2: "Probably Damaging"; Align-GVGD: "Class C0"). This variant has not been reported in the literature in individuals with RAD50-related conditions. This sequence change replaces threonine with arginine at codon 1114 of the RAD50 protein (p.Thr1114Arg). The threonine residue is highly conserved and there is a moderate physicochemical difference between threonine and arginine.

NM_005732.4(RAD50):c.3341C>G (p.Thr1114Arg)

Gene: RAD50 (RAD50 double strand break repair protein; plus strand). Cytogenetic location: 5q31.1.
Variant type: single nucleotide variant.
Coding change: c.3341C>G on transcript NM_005732.4 (MANE Select); coding-DNA position 3341, C replaced by G.
Protein change: p.Thr1114Arg; replaces threonine 1114 with arginine.
Molecular consequence: missense variant.
Genome position (GRCh38, 1-based): chr5:132,618,246, C>G. VCF-style: chr5-132618246-C-G. GRCh37 (hg19) VCF-style: chr5-131953938-C-G.
Other names: c.3341C>G (NM_005732.3); short protein forms T1114R.
Identifiers: ClinVar variation 1370282 (VCV001370282.9), dbSNP rs372432775, ClinGen allele CA360964932.